The following is an entry in ClinVar:

ClinVar aggregate classification (germline): Uncertain significance. Review status: criteria provided, multiple submitters, no conflicts (2 of 4 stars). 4 submissions from 4 submitters: Uncertain significance (4). Last evaluated 2025-04-02.

Conditions:
Hypertrophic cardiomyopathy. Also called: HYPERTROPHIC MYOCARDIOPATHY. Identifiers: Orphanet 217569, MedGen C0007194, MeSH D002312, MONDO:0005045, HP:0001639.
Hypertrophic cardiomyopathy 1 (CMH1). Also called: MYH7-Related Familial Hypertrophic Cardiomyopathy; Familial hypertrophic cardiomyopathy 1. Identifiers: MedGen C3495498, MONDO:0008647, OMIM 192600.
Myosin storage myopathy (CMYO7A). Also called: MYOPATHY, HYALINE BODY, AUTOSOMAL DOMINANT; MYOPATHY WITH LYSIS OF TYPE I MYOFIBRILS; SCAPULOPERONEAL MUSCULAR DYSTROPHY; SCAPULOPERONEAL SYNDROME, MYOPATHIC TYPE; MYH7-related late-onset scapuloperoneal muscular dystrophy; Congenital myopathy 7A, myosin storage, autosomal dominant. Identifiers: Orphanet 437572, Orphanet 636965, MedGen C1842160, MONDO:0008409, OMIM 608358.
Dilated cardiomyopathy 1S (CMD1S). Identifiers: Orphanet 154, Orphanet 54260, MedGen C1834481, MONDO:0013262, OMIM 613426.
MYH7-related skeletal myopathy. Also called: Myopathy, distal, 1; MYOPATHY, DISTAL, EARLY-ONSET, AUTOSOMAL DOMINANT; MYOPATHY, LATE DISTAL HEREDITARY; Laing distal myopathy; Laing early-onset distal myopathy. Identifiers: Orphanet 59135, MedGen C4552004, MONDO:0008050, OMIM 160500.
Congenital myopathy with fiber type disproportion. Also called: Congenital fiber-type disproportion; Congenital fiber-type disproportion myopathy. Identifiers: Orphanet 2020, MedGen C0546264, MONDO:0009711. Inheritance: all.
Myopathy, myosin storage, autosomal recessive (CMYO7B). Also called: CONGENITAL MYOPATHY 7B, MYOSIN STORAGE, AUTOSOMAL RECESSIVE. Identifiers: Orphanet 636970, MedGen C1850709, MONDO:0009708, OMIM 255160.
Cardiomyopathy (CMYO). Also called: Cardiomyopathies. Identifiers: Orphanet 167848, MedGen C0878544, MONDO:0004994, HP:0001638. Inheritance: Various modes of inheritance.

Allele frequency attached by ClinVar (database versions not stated): gnomAD exomes below 0.00001 and 0.00001; gnomAD 0.00001; TOPMed 0.00003.
gnomAD v4.1: 10 of 1,614,062 alleles (0.00062%); highest among the groups gnomAD compares: Non-Finnish European, 0.00085%; no homozygotes.

Submissions (4):

Labcorp Genetics (formerly Invitae), Labcorp
Classification: Uncertain significance for Hypertrophic cardiomyopathy. Last evaluated: 2025-04-02. Review status: criteria provided, single submitter. Criteria: Invitae Variant Classification Sherloc (09022015). Collection method: clinical testing. Allele origin: germline.
Comment: This sequence change replaces glycine, which is neutral and non-polar, with glutamic acid, which is acidic and polar, at codon 1036 of the MYH7 protein (p.Gly1036Glu). This variant is present in population databases (no rsID available, gnomAD 0.0009%). This missense change has been observed in individual(s) with hypertrophic cardiomyopathy (PMID: 37652022). ClinVar contains an entry for this variant (Variation ID: 1040581). Invitae Evidence Modeling of protein sequence and biophysical properties (such as structural, functional, and spatial information, amino acid conservation, physicochemical variation, residue mobility, and thermodynamic stability) indicates that this missense variant is expected to disrupt MYH7 protein function with a positive predictive value of 95%. In summary, the available evidence is currently insufficient to determine the role of this variant in disease. Therefore, it has been classified as a Variant of Uncertain Significance.

All of Us Research Program, National Institutes of Health
Classification: Uncertain significance for Cardiomyopathy. Last evaluated: 2024-05-14. Review status: criteria provided, single submitter. Criteria: ACMG Guidelines, 2015. Collection method: clinical testing. Allele origin: germline. Inheritance: Autosomal dominant inheritance. Observed: 3 variant alleles, 3 heterozygotes.
Comment: This missense variant replaces glycine with glutamic acid at codon 1036 of the MYH7 protein. Computational prediction is inconclusive regarding the impact of this variant on protein structure and function (internally defined REVEL score threshold 0.5 < inconclusive < 0.7, PMID: 27666373). To our knowledge, functional studies have not been reported for this variant. This variant has not been reported in individuals affected with MYH7-related disorders in the literature. This variant has been identified in 1/251446 chromosomes in the general population by the Genome Aggregation Database (gnomAD). The available evidence is insufficient to determine the role of this variant in disease conclusively. Therefore, this variant is classified as a Variant of Uncertain Significance.

This study involves interpretation of variants in research participants for the purpose of population health screening. Participant phenotype was not available at the time of variant classification. Additional details can be found in publication PMID: 35346344, PMCID: PMC8962531

Fulgent Genetics
Classification: Uncertain significance for MYH7-related skeletal myopathy; Myosin storage myopathy; Hypertrophic cardiomyopathy 1; Myopathy, myosin storage, autosomal recessive; Congenital myopathy 4A, autosomal dominant; Dilated cardiomyopathy 1S. Last evaluated: 2021-09-07. Review status: criteria provided, single submitter. Criteria: ACMG Guidelines, 2015. Collection method: clinical testing. Allele origin: unknown.

Revvity Omics, Revvity
Classification: Uncertain significance. Last evaluated: 2019-10-08. Review status: criteria provided, single submitter. Criteria: ACMG Guidelines, 2015. Collection method: clinical testing. Allele origin: germline.

Literature cited by the submitters: PubMed 37652022 (cited by Labcorp Genetics (formerly Invitae), Labcorp).

NM_000257.4(MYH7):c.3107G>A (p.Gly1036Glu)

Gene: MYH7 (myosin heavy chain 7; minus strand). Cytogenetic location: 14q11.2.
Variant type: single nucleotide variant.
Coding change: c.3107G>A on transcript NM_000257.4 (MANE Select); coding-DNA position 3107, G replaced by A.
Protein change: p.Gly1036Glu; replaces glycine 1036 with glutamic acid.
Molecular consequence: missense variant.
Genome position (GRCh38, 1-based): chr14:23,422,318, C>T on the plus strand (G>A on the coding strand, the complement: MYH7 is on the minus strand). VCF-style: chr14-23422318-C-T. GRCh37 (hg19) VCF-style: chr14-23891527-C-T.
Other names: c.3107G>A (NM_000257.2); short protein forms G1036E.
Identifiers: ClinVar variation 1040581 (VCV001040581.12), dbSNP rs1000681552, ClinGen allele CA257817960.
Genomic context (GRCh38, chr14:23,422,318, plus strand): 5'-TCCAGCTTCCGCTTCGCTCGCTCCAGGTCCATGCGCACCTTCTTCTCTTGCTCCAGGGAT[C>T]CTTCCAGCTGGTAGAGAGAAGGAGCCAGGCCCAGTGAGGCAAAGCATCCTGACTTGGTGA-3'
Protein context (NP_000248.2, residues 1026-1046): KLEQQVDDLE[Gly1036Glu]SLEQEKKVRM